The following is an entry in ClinVar:

ClinVar aggregate classification (germline): Pathogenic (1 of 4 stars; one submission).

Submission:

Labcorp Genetics (formerly Invitae), Labcorp
Classification: Pathogenic. Last evaluated: 2022-03-12. Review status: criteria provided, single submitter. Criteria: Invitae Variant Classification Sherloc (09022015). Collection method: clinical testing. Allele origin: germline.
Comment: This sequence change creates a premature translational stop signal (p.Gln288*) in the GPAA1 gene. It is expected to result in an absent or disrupted protein product. Loss-of-function variants in GPAA1 are known to be pathogenic (PMID: 29100095). This variant is not present in population databases (gnomAD no frequency). This variant has not been reported in the literature in individuals affected with GPAA1-related conditions. For these reasons, this variant has been classified as Pathogenic.

Literature cited by the submitters: PubMed 29100095.

NM_003801.4(GPAA1):c.862C>T (p.Gln288Ter)

Gene: GPAA1 (glycosylphosphatidylinositol anchor attachment 1; plus strand). Cytogenetic location: 8q24.3.
Variant type: single nucleotide variant.
Coding change: c.862C>T on transcript NM_003801.4 (MANE Select); coding-DNA position 862, C replaced by T.
Protein change: p.Gln288Ter; replaces glutamine 288 with a stop codon.
Molecular consequence: nonsense.
Genome position (GRCh38, 1-based): chr8:144,084,461, C>T. VCF-style: chr8-144084461-C-T. GRCh37 (hg19) VCF-style: chr8-145139364-C-T.
Other names: short protein forms Q288*.
Identifiers: ClinVar variation 2110432 (VCV002110432.4), dbSNP rs2537316260, ClinGen allele CA372498089.